The following is an entry in ClinVar:

ClinVar aggregate classification (germline): Uncertain significance. Review status: criteria provided, multiple submitters, no conflicts (2 of 4 stars). 2 submissions from 2 submitters: Uncertain significance (2). Last evaluated 2024-10-13.

Submissions (2):

Labcorp Genetics (formerly Invitae), Labcorp
Classification: Uncertain significance. Last evaluated: 2024-10-13. Review status: criteria provided, single submitter. Criteria: Invitae Variant Classification Sherloc (09022015). Collection method: clinical testing. Allele origin: germline.
Comment: This sequence change replaces glutamic acid, which is acidic and polar, with alanine, which is neutral and non-polar, at codon 1947 of the POLE protein (p.Glu1947Ala). This variant is not present in population databases (gnomAD no frequency). This variant has not been reported in the literature in individuals affected with POLE-related conditions. ClinVar contains an entry for this variant (Variation ID: 2662555). An algorithm developed to predict the effect of missense changes on protein structure and function outputs the following: PolyPhen-2: "Benign". The alanine amino acid residue is found in multiple mammalian species, which suggests that this missense change does not adversely affect protein function. In summary, the available evidence is currently insufficient to determine the role of this variant in disease. Therefore, it has been classified as a Variant of Uncertain Significance.

GeneDx
Classification: Uncertain significance. Last evaluated: 2023-05-03. Review status: criteria provided, single submitter. Criteria: GeneDx Variant Classification Process June 2021. Collection method: clinical testing. Allele origin: germline. Affected: yes.
Comment: Not observed at significant frequency in large population cohorts (gnomAD); In silico analysis supports that this missense variant does not alter protein structure/function; Has not been previously published as pathogenic or benign to our knowledge

NM_006231.4(POLE):c.5840A>C (p.Glu1947Ala)

Gene: POLE (DNA polymerase epsilon, catalytic subunit; minus strand). Cytogenetic location: 12q24.33.
Variant type: single nucleotide variant.
Coding change: c.5840A>C on transcript NM_006231.4 (MANE Select); coding-DNA position 5840, A replaced by C.
Protein change: p.Glu1947Ala; replaces glutamic acid 1947 with alanine.
Molecular consequence: missense variant.
Genome position (GRCh38, 1-based): chr12:132,634,350, T>G on the plus strand (A>C on the coding strand, the complement: POLE is on the minus strand). VCF-style: chr12-132634350-T-G. GRCh37 (hg19) VCF-style: chr12-133210936-T-G.
Other names: short protein forms E1947A.
Identifiers: ClinVar variation 2662555 (VCV002662555.3), dbSNP rs2138475418, ClinGen allele CA387371826.